The following is an entry in ClinVar:

ClinVar aggregate classification (germline): Conflicting classifications of pathogenicity. Review status: criteria provided, conflicting classifications (1 of 4 stars). 5 submissions from 4 submitters: Uncertain significance (1); Likely benign (4). Last evaluated 2026-03-01.

Conditions:
Retinitis pigmentosa (RP). Identifiers: Orphanet 791, MedGen C0035334, MeSH D012174, MONDO:0019200, OMIM 268000. Inheritance: Autosomal dominant, autosomal recessive and X linked inheritance.
Cone-rod dystrophy 10 (CORD10). Identifiers: Orphanet 1872, MedGen C1846529, MONDO:0012464, OMIM 610283.

Allele frequency attached by ClinVar (database versions not stated): ESP Exome Variant Server 0.00031; gnomAD exomes 0.00036 and 0.00042; gnomAD 0.00040 and 0.00042; ExAC 0.00053; TOPMed 0.00055; 1000 Genomes Project 0.00060; 1000 Genomes Project 30x 0.00062.
gnomAD v4.1: 593 of 1,613,860 alleles (0.037%); highest among the groups gnomAD compares: Admixed American, 0.068%; no homozygotes.

Submissions (5):

CeGaT Center for Human Genetics Tuebingen
Classification: Likely benign. Last evaluated: 2026-03-01. Review status: criteria provided, single submitter. Criteria: CeGaT Center For Human Genetics Tuebingen Variant Classification Criteria Version 2. Collection method: clinical testing. Allele origin: germline. Affected: yes. Observed: 3 variant alleles.
Comment: SEMA4A: BP4, BP7

Labcorp Genetics (formerly Invitae), Labcorp
Classification: Likely benign. Last evaluated: 2026-02-01. Review status: criteria provided, single submitter. Criteria: Invitae Variant Classification Sherloc (09022015). Collection method: clinical testing. Allele origin: germline.

Blueprint Genetics
Classification: Likely benign. Last evaluated: 2024-09-12. Review status: criteria provided, single submitter. Criteria: ACMG Guidelines, 2015. Collection method: clinical testing. Allele origin: germline.

Illumina Laboratory Services, Illumina
Classification: Uncertain significance for Cone-rod dystrophy 10. Last evaluated: 2018-01-12. Review status: criteria provided, single submitter. Criteria: ICSL Variant Classification Criteria 13 December 2019. Collection method: clinical testing. Allele origin: germline.

Illumina Laboratory Services, Illumina
Classification: Likely benign for Retinitis pigmentosa. Last evaluated: 2018-01-12. Review status: criteria provided, single submitter. Criteria: ICSL Variant Classification Criteria 13 December 2019. Collection method: clinical testing. Allele origin: germline.
Comment: This variant was observed in the ICSL laboratory as part of a predisposition screen in an ostensibly healthy population. It had not been previously curated by ICSL or reported in the Human Gene Mutation Database (HGMD: prior to June 1st, 2018), and was therefore a candidate for classification through an automated scoring system. Utilizing variant allele frequency, disease prevalence and penetrance estimates, and inheritance mode, an automated score was calculated to assess if this variant is too frequent to cause the disease. Based on the score and internal cut-off values, a variant classified as likely benign is not then subjected to further curation. The score for this variant resulted in a classification of likely benign for this disease.

NM_022367.4(SEMA4A):c.405T>C (p.Asn135=)

Gene: SEMA4A (semaphorin 4A; plus strand). Cytogenetic location: 1q22.
Variant type: single nucleotide variant.
Coding change: c.405T>C on transcript NM_022367.4 (MANE Select); coding-DNA position 405, T replaced by C.
Protein change: p.Asn135=; no amino-acid change (asparagine 135 retained).
Molecular consequence: synonymous variant. On other transcripts: 5 prime UTR variant (2), intron variant (1).
Genome position (GRCh38, 1-based): chr1:156,158,429, T>C. VCF-style: chr1-156158429-T-C. GRCh37 (hg19) VCF-style: chr1-156128220-T-C.
Other names: c.405T>C, p.Asn135= (NM_001193300.2, NM_001193301.2, NM_001370567.1); c.108T>C, p.Asn36= (NM_001370568.1); c.-120T>C (NM_001370569.1, NM_001370571.1); c.67-290T>C (NM_001193302.2).
Identifiers: ClinVar variation 292845 (VCV000292845.47), dbSNP rs56271605, ClinGen allele CA1155026.
Genomic context (GRCh38, chr1:156,158,429, plus strand): 5'-AATTCTCTGTCTCCCTCAGACACAGTGTTTCAACTTCATCCGTGTCCTGGTTTCTTACAA[T>C]GTCACCCATCTCTACACCTGCGGCACCTTCGCCTTCAGCCCTGCTTGTACCTTCATTGTG-3'
Protein context (NP_071762.2, residues 125-145): FNFIRVLVSY[Asn135=]VTHLYTCGTF